The following is an entry in ClinVar:

ClinVar aggregate classification (germline): Conflicting classifications of pathogenicity. Review status: criteria provided, conflicting classifications (1 of 4 stars). 7 submissions from 7 submitters: Uncertain significance (6); Likely benign (1). Last evaluated 2026-01-13.

Conditions:
BARD1-related disorder. Also called: BARD1-related condition.
Hereditary cancer-predisposing syndrome. Also called: Neoplastic Syndromes, Hereditary; Tumor predisposition; Hereditary Cancer Syndrome; Hereditary neoplastic syndrome. Identifiers: Orphanet 140162, MedGen C0027672, MeSH D009386, MONDO:0015356.
Familial cancer of breast. Also called: hereditary breast carcinoma; BREAST CANCER, FAMILIAL; Hereditary breast cancer. Identifiers: Orphanet 227535, MedGen C0346153, MONDO:0016419, OMIM 114480. Disease mechanism: loss of function.

Allele frequency attached by ClinVar (database versions not stated): ExAC 0.00001; gnomAD 0.00001; gnomAD exomes 0.00002 and 0.00006; TOPMed 0.00002.
gnomAD v4.1: 90 of 1,613,978 alleles (0.0056%); highest among the groups gnomAD compares: Non-Finnish European, 0.0073%; no homozygotes.

Submissions (7):

Labcorp Genetics (formerly Invitae), Labcorp
Classification: Uncertain significance for Familial cancer of breast. Last evaluated: 2026-01-13. Review status: criteria provided, single submitter. Criteria: Invitae Variant Classification Sherloc (09022015). Collection method: clinical testing. Allele origin: germline.
Comment: This sequence change replaces valine, which is neutral and non-polar, with alanine, which is neutral and non-polar, at codon 352 of the BARD1 protein (p.Val352Ala). This variant is present in population databases (rs773918507, gnomAD 0.005%). This variant has not been reported in the literature in individuals affected with BARD1-related conditions. ClinVar contains an entry for this variant (Variation ID: 406740). An algorithm developed to predict the effect of missense changes on protein structure and function outputs the following: PolyPhen-2: "Benign". The alanine amino acid residue is found in multiple mammalian species, which suggests that this missense change does not adversely affect protein function. In summary, the available evidence is currently insufficient to determine the role of this variant in disease. Therefore, it has been classified as a Variant of Uncertain Significance.

PreventionGenetics, part of Exact Sciences
Classification: Uncertain significance for BARD1-related condition. Last evaluated: 2026-01-02. Review status: criteria provided, single submitter. Criteria: ACMG Guidelines, 2015. Collection method: clinical testing. Allele origin: germline.
Comment: The BARD1 c.1055T>C variant is predicted to result in the amino acid substitution p.Val352Ala. To our knowledge, this variant has not been reported in the literature. This variant is reported in 0.0053% of alleles in individuals of European (Non-Finnish) descent in gnomAD and is classified as uncertain in ClinVar (Variation ID: 406740). At this time, the clinical significance of this variant is uncertain due to the absence of conclusive functional and genetic evidence.

Color Diagnostics, LLC DBA Color Health
Classification: Uncertain significance for Hereditary cancer-predisposing syndrome. Last evaluated: 2025-04-15. Review status: criteria provided, single submitter. Criteria: ACMG Guidelines, 2015. Collection method: clinical testing. Allele origin: germline.
Comment: This missense variant replaces valine with alanine at codon 352 of the BARD1 protein. Computational prediction suggests that this variant may not impact protein structure and function. To our knowledge, functional studies have not been reported for this variant. This variant has been reported in individuals affected with breast cancer and in unaffected individuals (PMID: 33471991). This variant has been identified in 6/251228 chromosomes in the general population by the Genome Aggregation Database (gnomAD). The available evidence is insufficient to determine the role of this variant in disease conclusively. Therefore, this variant is classified as a Variant of Uncertain Significance.

Ambry Genetics
Classification: Likely benign for Hereditary cancer-predisposing syndrome. Last evaluated: 2024-02-26. Review status: criteria provided, single submitter. Criteria: Ambry Variant Classification Scheme 2023. Collection method: clinical testing. Allele origin: germline.

Quest Diagnostics Nichols Institute San Juan Capistrano
Classification: Uncertain significance. Last evaluated: 2023-12-01. Review status: criteria provided, single submitter. Criteria: Quest Diagnostics criteria. Collection method: clinical testing. Allele origin: unknown.
Comment: The BARD1 c.1055T>C (p.Val352Ala) variant has been reported in the published literature in individuals with breast cancer as well as in an unaffected individual (PMID: 33471991 (2021), see also LOVD). The frequency of this variant in the general population, 0.000053 (6/113584 chromosomes (Genome Aggregation Database)), is uninformative in the assessment of its pathogenicity. Analysis of this variant using bioinformatics tools for the prediction of the effect of amino acid changes on protein structure and function yielded predictions that this variant is benign. Based on the available information, we are unable to determine the clinical significance of this variant.

GeneDx
Classification: Uncertain significance. Last evaluated: 2022-04-26. Review status: criteria provided, single submitter. Criteria: GeneDx Variant Classification Process June 2021. Collection method: clinical testing. Allele origin: germline. Affected: yes.
Comment: In silico analysis supports that this missense variant does not alter protein structure/function; Has not been previously published as pathogenic or benign to our knowledge

Women's Health and Genetics/Laboratory Corporation of America, LabCorp
Classification: Uncertain significance. Last evaluated: 2022-01-07. Review status: criteria provided, single submitter. Criteria: LabCorp Variant Classification Summary - May 2015. Collection method: clinical testing. Allele origin: germline.

Literature cited by the submitters: PubMed 33471991 (cited by Color Diagnostics, LLC DBA Color Health and Quest Diagnostics Nichols Institute San Juan Capistrano).

NM_000465.4(BARD1):c.1055T>C (p.Val352Ala)

Gene: BARD1 (BRCA1 associated RING domain 1; minus strand). Cytogenetic location: 2q35.
Variant type: single nucleotide variant.
Coding change: c.1055T>C on transcript NM_000465.4 (MANE Select); coding-DNA position 1055, T replaced by C.
Protein change: p.Val352Ala; replaces valine 352 with alanine.
Molecular consequence: missense variant. On other transcripts: non-coding transcript variant (2), intron variant (3).
Genome position (GRCh38, 1-based): chr2:214,780,819, A>G on the plus strand (T>C on the coding strand, the complement: BARD1 is on the minus strand). VCF-style: chr2-214780819-A-G. GRCh37 (hg19) VCF-style: chr2-215645543-A-G.
Other names: c.998T>C, p.Val333Ala (NM_001282543.2); c.159-28264T>C (NM_001282548.2); c.215+16242T>C (NM_001282545.2); c.364+11478T>C (NM_001282549.2); short protein forms V352A, V333A.
Identifiers: ClinVar variation 406740 (VCV000406740.27), dbSNP rs773918507, ClinGen allele CA2090344.